The following is an entry in ClinVar:

NM_020949.3(SLC7A14):c.1850A>C (p.Gln617Pro)

Genes: SLC7A14 (solute carrier family 7 member 14; minus strand), SLC7A14-AS1 (SLC7A14 antisense RNA 1; plus strand). Cytogenetic location: 3q26.2.
Variant type: single nucleotide variant.
Coding change: c.1850A>C on transcript NM_020949.3 (MANE Select); coding-DNA position 1850, A replaced by C.
Protein change: p.Gln617Pro; replaces glutamine 617 with proline.
Molecular consequence: missense variant.
Genome position (GRCh38, 1-based): chr3:170,480,432, T>G on the plus strand (A>C on the coding strand, the complement: SLC7A14 is on the minus strand). VCF-style: chr3-170480432-T-G. GRCh37 (hg19) VCF-style: chr3-170198221-T-G.
Other names: short protein forms Q617P.
Identifiers: ClinVar variation 957230 (VCV000957230.9), dbSNP rs1711771363, ClinGen allele CA355488969.
Genomic context (GRCh38, chr3:170,480,432, plus strand): 5'-GCAGGCACAAAGGGGAGGCAAGGGGCCATGTAGGGCAGCTTCTTGGGGTTCTCTGGCTGC[T>G]GCAGGATCACAAACACCAGGGTGCTGATCAGCAGCACCATCAGAACAACCAGAAGGATGG-3'
Protein context (NP_066000.2, residues 607-627): LISTLVFVIL[Gln617Pro]QPENPKKLPY

ClinVar aggregate classification (germline): Uncertain significance (1 of 4 stars; one submission).

Allele frequency attached by ClinVar (database versions not stated): gnomAD exomes below 0.00001.
gnomAD v4.1: 1 of 1,613,728 alleles (0.000062%); highest among the groups gnomAD compares: Middle Eastern, 0.017%; no homozygotes.

Submission:

Labcorp Genetics (formerly Invitae), Labcorp
Classification: Uncertain significance. Last evaluated: 2025-01-15. Review status: criteria provided, single submitter. Criteria: Invitae Variant Classification Sherloc (09022015). Collection method: clinical testing. Allele origin: germline.
Comment: This sequence change replaces glutamine, which is neutral and polar, with proline, which is neutral and non-polar, at codon 617 of the SLC7A14 protein (p.Gln617Pro). This variant is not present in population databases (gnomAD no frequency). This variant has not been reported in the literature in individuals affected with SLC7A14-related conditions. ClinVar contains an entry for this variant (Variation ID: 957230). An algorithm developed to predict the effect of missense changes on protein structure and function (PolyPhen-2) suggests that this variant is likely to be tolerated. In summary, the available evidence is currently insufficient to determine the role of this variant in disease. Therefore, it has been classified as a Variant of Uncertain Significance.